The following is an entry in ClinVar:

NM_001011658.4(TRAPPC2):c.364C>T (p.Arg122Ter)

Gene: TRAPPC2 (trafficking protein particle complex subunit 2; minus strand). Cytogenetic location: Xp22.2.
Variant type: single nucleotide variant.
Coding change: c.364C>T on transcript NM_001011658.4 (MANE Select); coding-DNA position 364, C replaced by T.
Protein change: p.Arg122Ter; replaces arginine 122 with a stop codon.
Molecular consequence: nonsense.
Genome position (GRCh38, 1-based): chrX:13,714,466, G>A on the plus strand (C>T on the coding strand, the complement: TRAPPC2 is on the minus strand). VCF-style: chrX-13714466-G-A. GRCh37 (hg19) VCF-style: chrX-13732585-G-A.
Other names: c.466C>T, p.Arg156Ter (NM_001128835.3); c.364C>T, p.Arg122Ter (NM_014563.6); short protein forms R122*, R156*.
Identifiers: ClinVar variation 1457801 (VCV001457801.12), dbSNP rs2046258303, ClinGen allele CA412322572.

ClinVar aggregate classification (germline): Pathogenic. Review status: criteria provided, multiple submitters, no conflicts (2 of 4 stars). 2 submissions from 2 submitters: Pathogenic (2). Last evaluated 2025-11-01.

Allele frequency attached by ClinVar (database versions not stated): TOPMed below 0.00001.

Submissions (2):

CeGaT Center for Human Genetics Tuebingen
Classification: Pathogenic. Last evaluated: 2025-11-01. Review status: criteria provided, single submitter. Criteria: CeGaT Center For Human Genetics Tuebingen Variant Classification Criteria Version 2. Collection method: clinical testing. Allele origin: germline. Affected: yes. Observed: 1 variant allele.
Comment: TRAPPC2: PVS1:Strong, PM2, PP1:Moderate, PP4, PS4:Supporting

Labcorp Genetics (formerly Invitae), Labcorp
Classification: Pathogenic. Last evaluated: 2025-05-07. Review status: criteria provided, single submitter. Criteria: Invitae Variant Classification Sherloc (09022015). Collection method: clinical testing. Allele origin: germline.
Comment: This sequence change creates a premature translational stop signal (p.Arg122*) in the TRAPPC2 gene. While this is not anticipated to result in nonsense mediated decay, it is expected to disrupt the last 19 amino acid(s) of the TRAPPC2 protein. This variant is not present in population databases (gnomAD no frequency). This premature translational stop signal has been observed in individuals with clinical features of spondyloepiphyseal dysplasia tarda (PMID: 11443194; internal data). ClinVar contains an entry for this variant (Variation ID: 1457801). This variant disrupts a region of the TRAPPC2 protein in which other variant(s) (p.Ser124Lysfs*4) have been determined to be pathogenic (PMID: 19766614). This suggests that this is a clinically significant region of the protein, and that variants that disrupt it are likely to be disease-causing. For these reasons, this variant has been classified as Pathogenic.

Literature cited by the submitters: PubMed 11443194 (cited by Labcorp Genetics (formerly Invitae), Labcorp); PubMed 19766614 (cited by Labcorp Genetics (formerly Invitae), Labcorp).